The following is an entry in ClinVar:

NM_012418.4(FSCN2):c.1069A>C (p.Lys357Gln)

Gene: FSCN2 (fascin actin-bundling protein 2, retinal; plus strand). Cytogenetic location: 17q25.3.
Variant type: single nucleotide variant.
Coding change: c.1069A>C on transcript NM_012418.4 (MANE Select); coding-DNA position 1069, A replaced by C.
Protein change: p.Lys357Gln; replaces lysine 357 with glutamine.
Molecular consequence: missense variant.
Genome position (GRCh38, 1-based): chr17:81,536,231, A>C. VCF-style: chr17-81536231-A-C. GRCh37 (hg19) VCF-style: chr17-79503257-A-C.
Other names: c.1069A>C (NM_001077182.2); c.1069A>C, p.Lys357Gln (NM_001077182.3); short protein forms K357Q.
Identifiers: ClinVar variation 1923436 (VCV001923436.6), dbSNP rs376890749, ClinGen allele CA8836948.

ClinVar aggregate classification (germline): Uncertain significance. Review status: criteria provided, multiple submitters, no conflicts (2 of 4 stars). 2 submissions from 2 submitters: Uncertain significance (2). Last evaluated 2025-12-16.

Allele frequency attached by ClinVar (database versions not stated): gnomAD exomes below 0.00001; gnomAD 0.00001; ExAC 0.00003; ESP Exome Variant Server 0.00008.
gnomAD v4.1: 3 of 1,602,028 alleles (0.00019%); highest among the groups gnomAD compares: African/African-American, 0.004%; no homozygotes.

Submissions (2):

Ambry Genetics
Classification: Uncertain significance. Last evaluated: 2025-12-16. Review status: criteria provided, single submitter. Criteria: Ambry Variant Classification Scheme 2023. Collection method: clinical testing. Allele origin: germline.

Labcorp Genetics (formerly Invitae), Labcorp
Classification: Uncertain significance. Last evaluated: 2022-06-14. Review status: criteria provided, single submitter. Criteria: Invitae Variant Classification Sherloc (09022015). Collection method: clinical testing. Allele origin: germline.
Comment: This sequence change replaces lysine, which is basic and polar, with glutamine, which is neutral and polar, at codon 357 of the FSCN2 protein (p.Lys357Gln). In summary, the available evidence is currently insufficient to determine the role of this variant in disease. Therefore, it has been classified as a Variant of Uncertain Significance. Algorithms developed to predict the effect of missense changes on protein structure and function are either unavailable or do not agree on the potential impact of this missense change (SIFT: "Deleterious"; PolyPhen-2: "Probably Damaging"; Align-GVGD: "Class C0"). This variant has not been reported in the literature in individuals affected with FSCN2-related conditions. This variant is present in population databases (rs376890749, gnomAD 0.01%).